The following is an entry in ClinVar:

NM_005560.6(LAMA5):c.8683G>A (p.Gly2895Ser)

Gene: LAMA5 (laminin subunit alpha 5; minus strand). Cytogenetic location: 20q13.33.
Variant type: single nucleotide variant.
Coding change: c.8683G>A on transcript NM_005560.6 (MANE Select); coding-DNA position 8683, G replaced by A.
Protein change: p.Gly2895Ser; replaces glycine 2895 with serine.
Molecular consequence: missense variant.
Genome position (GRCh38, 1-based): chr20:62,313,436, C>T on the plus strand (G>A on the coding strand, the complement: LAMA5 is on the minus strand). VCF-style: chr20-62313436-C-T. GRCh37 (hg19) VCF-style: chr20-60888492-C-T.
Other names: short protein forms G2895S.
Identifiers: ClinVar variation 4532450 (VCV004532450.1).

ClinVar aggregate classification (germline): Uncertain significance (1 of 4 stars; one submission).

gnomAD v4.1: 10 of 1,609,826 alleles (0.00062%); highest among the groups gnomAD compares: African/African-American, 0.0013%; no homozygotes.

Submission:

GeneDx
Classification: Uncertain significance. Last evaluated: 2025-05-27. Review status: criteria provided, single submitter. Criteria: GeneDx Variant Classification Process June 2021. Collection method: clinical testing. Allele origin: germline. Affected: yes.
Comment: Not observed at significant frequency in large population cohorts (gnomAD); In silico analysis supports a deleterious effect on splicing; In silico analysis suggests that this missense variant does not alter protein structure/function; Has not been previously reported as a pathogenic or benign germline variant to our knowledge; This variant is associated with the following publications: (PMID: 34580720)